The following is an entry in ClinVar:

ClinVar aggregate classification (germline): Pathogenic. Review status: reviewed by expert panel (3 of 4 stars). 4 submissions from 4 submitters: Pathogenic (1). 3 of the submissions do not count toward it. Last evaluated 2016-10-18.

Conditions:
Hereditary cancer-predisposing syndrome. Also called: Tumor predisposition; Hereditary Cancer Syndrome; Hereditary neoplastic syndrome; Neoplastic Syndromes, Hereditary. Identifiers: Orphanet 140162, MedGen C0027672, MeSH D009386, MONDO:0015356.
Hereditary breast ovarian cancer syndrome. Also called: Breast and ovarian cancer; Hereditary breast and ovarian cancer syndrome; Hereditary breast and ovarian cancer; BRCA1- and BRCA2-Associated Hereditary Breast and Ovarian Cancer; Hereditary breast and ovarian cancer syndrome (HBOC); Hereditary breast and/or ovarian cancer syndrome. Identifiers: Orphanet 145, MedGen C0677776, MeSH D061325, MONDO:0003582. Disease mechanism: loss of function.
Breast-ovarian cancer, familial, susceptibility to, 2 (BROVCA2). Also called: BRCA2 Hereditary Breast and Ovarian Cancer. Identifiers: Orphanet 145, MedGen C2675520, MONDO:0012933, OMIM 612555. Disease mechanism: loss of function.

Submissions (4):

Evidence-based Network for the Interpretation of Germline Mutant Alleles (ENIGMA)
Classification: Pathogenic for Breast-ovarian cancer, familial, susceptibility to, 2. Last evaluated: 2016-10-18. Review status: reviewed by expert panel. Criteria: ENIGMA BRCA1/2 Classification Criteria (2015). Collection method: curation. Allele origin: germline.
Comment: Variant allele predicted to encode a truncated non-functional protein.

Ambry Genetics
Classification: Pathogenic for Hereditary cancer-predisposing syndrome. Last evaluated: 2025-04-04. Review status: criteria provided, single submitter. Criteria: Ambry Variant Classification Scheme 2023. Collection method: clinical testing. Allele origin: germline. Not counted in ClinVar's aggregate classification.
Comment: The c.6663_6664insAAAG pathogenic mutation, located in coding exon 10 of the BRCA2 gene, results from an insertion of 4 nucleotides at position 6663, causing a translational frameshift with a predicted alternate stop codon (p.N2221Nfs*5). This variant is considered to be rare based on population cohorts in the Genome Aggregation Database (gnomAD). This alteration is expected to result in loss of function by premature protein truncation or nonsense-mediated mRNA decay. As such, this alteration is interpreted as a disease-causing mutation.

Labcorp Genetics (formerly Invitae), Labcorp
Classification: Pathogenic for Hereditary breast ovarian cancer syndrome. Last evaluated: 2019-01-14. Review status: criteria provided, single submitter. Criteria: Invitae Variant Classification Sherloc (09022015). Collection method: clinical testing. Allele origin: germline. Not counted in ClinVar's aggregate classification.
Comment: Loss-of-function variants in BRCA2 are known to be pathogenic (PMID: 20104584). For these reasons, this variant has been classified as Pathogenic. This variant has been reported in individuals in the Leiden Open-source Variation Database (PMID: 21520333). ClinVar contains an entry for this variant (Variation ID: 185417). This variant is not present in population databases (ExAC no frequency). This sequence change creates a premature translational stop signal (p.Tyr2222Lysfs*4) in the BRCA2 gene. It is expected to result in an absent or disrupted protein product.

Consortium of Investigators of Modifiers of BRCA1/2 (CIMBA), c/o University of Cambridge
Classification: Pathogenic for Breast-ovarian cancer, familial, susceptibility to, 2. Last evaluated: 2015-10-02. Review status: criteria provided, single submitter. Criteria: CIMBA Mutation Classification guidelines May 2016. Collection method: clinical testing. Allele origin: germline. Not counted in ClinVar's aggregate classification.

Literature cited by the submitters: PubMed 20104584 (cited by Labcorp Genetics (formerly Invitae), Labcorp); PubMed 21520333 (cited by Labcorp Genetics (formerly Invitae), Labcorp).

NM_000059.4(BRCA2):c.6663_6664insAAAG (p.Tyr2222fs)

Gene: BRCA2 (BRCA2 DNA repair associated; plus strand). Cytogenetic location: 13q13.1.
Variant type: Insertion.
Coding change: c.6663_6664insAAAG on transcript NM_000059.4 (MANE Select); coding-DNA positions 6663 to 6664, AAAG inserted.
Protein change: p.Tyr2222fs; shifts the reading frame from tyrosine 2222.
Molecular consequence: frameshift variant.
Genome position: GRCh38 VCF-style: chr13-32341018-C-CAAAG. GRCh37 (hg19) VCF-style: chr13-32915155-C-CAAAG.
Other names: 6891_6892insAAAG; short protein forms Y2222fs.
Identifiers: ClinVar variation 185417 (VCV000185417.18), dbSNP rs786202157, ClinGen allele CA024269.